The following is an entry in ClinVar:

NM_002332.3(LRP1):c.2436C>T (p.Gly812=)

Gene: LRP1 (LDL receptor related protein 1; plus strand). Cytogenetic location: 12q13.3.
Variant type: single nucleotide variant.
Coding change: c.2436C>T on transcript NM_002332.3 (MANE Select); coding-DNA position 2436, C replaced by T.
Protein change: p.Gly812=; no amino-acid change (glycine 812 retained).
Molecular consequence: synonymous variant.
Genome position (GRCh38, 1-based): chr12:57,162,889, C>T. VCF-style: chr12-57162889-C-T. GRCh37 (hg19) VCF-style: chr12-57556672-C-T.
Identifiers: ClinVar variation 3056201 (VCV003056201.2), dbSNP rs140549523, ClinGen allele CA6642771.
Genomic context (GRCh38, chr12:57,162,889, plus strand): 5'-TTGCCTTTCCCCATGGCCCTTCCCCACAGTTGGCACCAACAAATGCCGGGTGAACAATGG[C>T]GGCTGCAGCAGCCTGTGCTTGGCCACCCCTGGGAGCCGCCAGTGCGCCTGTGCTGAGGAC-3'
Protein context (NP_002323.2, residues 802-822): VGTNKCRVNN[Gly812=]GCSSLCLATP

ClinVar aggregate classification (germline): Likely benign (0 of 4 stars; one submission).

Conditions:
LRP1-related disorder. Also called: LRP1-related condition.

Allele frequency attached by ClinVar (database versions not stated): gnomAD exomes 0.00003; ExAC 0.00004; gnomAD 0.00005; ESP Exome Variant Server 0.00008; 1000 Genomes Project 30x 0.00016; 1000 Genomes Project 0.00020.
gnomAD v4.1: 61 of 1,607,470 alleles (0.0038%); highest among the groups gnomAD compares: Middle Eastern, 0.71%; 2 homozygotes.

Submission:

PreventionGenetics, part of Exact Sciences
Classification: Likely benign for LRP1-related condition. Last evaluated: 2019-07-11. Review status: no assertion criteria provided. Collection method: clinical testing. Allele origin: germline.
Comment: This variant is classified as likely benign based on ACMG/AMP sequence variant interpretation guidelines (Richards et al. 2015 PMID: 25741868, with internal and published modifications).